The following is an entry in ClinVar:

NM_001367805.3(KIF23):c.400C>T (p.Arg134Cys)

Gene: KIF23 (kinesin family member 23; plus strand). Cytogenetic location: 15q23.
Variant type: single nucleotide variant.
Coding change: c.400C>T on transcript NM_001367805.3 (MANE Select); coding-DNA position 400, C replaced by T.
Protein change: p.Arg134Cys; replaces arginine 134 with cysteine.
Molecular consequence: missense variant. On other transcripts: non-coding transcript variant (2), intron variant (1).
Genome position (GRCh38, 1-based): chr15:69,422,075, C>T. VCF-style: chr15-69422075-C-T. GRCh37 (hg19) VCF-style: chr15-69714414-C-T.
Other names: c.400C>T, p.Arg134Cys (NM_001367804.2, NM_004856.7, NM_138555.4); c.124-251C>T (NM_001281301.2); short protein forms R134C.
Identifiers: ClinVar variation 4043282 (VCV004043282.2).

ClinVar aggregate classification (germline): Uncertain significance. Review status: criteria provided, multiple submitters, no conflicts (2 of 4 stars). 2 submissions from 2 submitters: Uncertain significance (2). Last evaluated 2025-06-12.

Submissions (2):

Ambry Genetics
Classification: Uncertain significance. Last evaluated: 2025-06-12. Review status: criteria provided, single submitter. Criteria: Ambry Variant Classification Scheme 2023. Collection method: clinical testing. Allele origin: germline.

Labcorp Genetics (formerly Invitae), Labcorp
Classification: Uncertain significance. Last evaluated: 2025-03-10. Review status: criteria provided, single submitter. Criteria: Invitae Variant Classification Sherloc (09022015). Collection method: clinical testing. Allele origin: germline.
Comment: This sequence change replaces arginine, which is basic and polar, with cysteine, which is neutral and slightly polar, at codon 134 of the KIF23 protein (p.Arg134Cys). This variant is not present in population databases (gnomAD no frequency). This variant has not been reported in the literature in individuals affected with KIF23-related conditions. Invitae Evidence Modeling of protein sequence and biophysical properties (such as structural, functional, and spatial information, amino acid conservation, physicochemical variation, residue mobility, and thermodynamic stability) indicates that this missense variant is expected to disrupt KIF23 protein function with a positive predictive value of 80%. In summary, the available evidence is currently insufficient to determine the role of this variant in disease. Therefore, it has been classified as a Variant of Uncertain Significance.